The following is an entry in ClinVar:

ClinVar aggregate classification (germline): Benign/Likely benign. Review status: criteria provided, multiple submitters, no conflicts (2 of 4 stars). 3 submissions from 3 submitters: Benign (1); Likely benign (2). Last evaluated 2026-01-01.

Conditions:
Alagille syndrome due to a JAG1 point mutation. Also called: Alagille Syndrome 1; JAG1-Related Alagille Syndrome; HEPATIC DUCTULAR HYPOPLASIA, SYNDROMATIC. Identifiers: Orphanet 261619, Orphanet 52, MedGen C1956125, MONDO:0016862, OMIM 118450.
Cardiovascular phenotype. Identifiers: MedGen CN230736.

Allele frequency attached by ClinVar (database versions not stated): gnomAD exomes below 0.00001; ExAC 0.00001; TOPMed 0.00001; ESP Exome Variant Server 0.00008.
gnomAD v4.1: 8 of 1,613,260 alleles (0.0005%); highest among the groups gnomAD compares: Non-Finnish European, 0.00034%; no homozygotes.

Submissions (3):

CeGaT Center for Human Genetics Tuebingen
Classification: Likely benign. Last evaluated: 2026-01-01. Review status: criteria provided, single submitter. Criteria: CeGaT Center For Human Genetics Tuebingen Variant Classification Criteria Version 2. Collection method: clinical testing. Allele origin: germline. Affected: yes. Observed: 1 variant allele.
Comment: JAG1: BP4, BP7

Labcorp Genetics (formerly Invitae), Labcorp
Classification: Benign for Alagille syndrome due to a JAG1 point mutation. Last evaluated: 2025-12-26. Review status: criteria provided, single submitter. Criteria: Invitae Variant Classification Sherloc (09022015). Collection method: clinical testing. Allele origin: germline.

Ambry Genetics
Classification: Likely benign for Cardiovascular phenotype. Last evaluated: 2021-01-21. Review status: criteria provided, single submitter. Criteria: Ambry Variant Classification Scheme 2023. Collection method: clinical testing. Allele origin: germline.

NM_000214.3(JAG1):c.255C>T (p.Arg85=)

Gene: JAG1 (jagged canonical Notch ligand 1; minus strand). Cytogenetic location: 20p12.2.
Variant type: single nucleotide variant.
Coding change: c.255C>T on transcript NM_000214.3 (MANE Select); coding-DNA position 255, C replaced by T.
Protein change: p.Arg85=; no amino-acid change (arginine 85 retained).
Molecular consequence: synonymous variant.
Genome position (GRCh38, 1-based): chr20:10,672,833, G>A on the plus strand (C>T on the coding strand, the complement: JAG1 is on the minus strand). VCF-style: chr20-10672833-G-A. GRCh37 (hg19) VCF-style: chr20-10653481-G-A.
Identifiers: ClinVar variation 1793076 (VCV001793076.7), dbSNP rs371739467, ClinGen allele CA9765189.